The following is an entry in ClinVar:

NM_001378183.1(PIEZO2):c.7880dup (p.Gln2628fs)

Gene: PIEZO2 (piezo type mechanosensitive ion channel component 2; minus strand). Cytogenetic location: 18p11.22.
Variant type: Duplication.
Coding change: c.7880dup on transcript NM_001378183.1 (MANE Select); coding-DNA position 7880, one base duplicated (A; older notation c.7880dupA).
Protein change: p.Gln2628fs; shifts the reading frame from glutamine 2628.
Molecular consequence: frameshift variant.
Genome position (GRCh38, 1-based): chr18:10,680,271, T duplicated on the plus strand (A on the coding strand, the reverse complement: PIEZO2 is on the minus strand); the first of 2 consecutive T bases (chr18:10,680,271-10,680,272); duplicating either gives the same sequence. VCF-style (leftmost placement, unchanged base first): chr18-10680270-C-CT. GRCh37 (hg19) VCF-style: chr18-10680267-C-CT.
Other names: c.7615dup, p.Gln2540Alafs (NM_001410871.1); c.7541dup, p.Gln2515fs (NM_022068.4); short protein forms Q2515fs, Q2628fs.
Identifiers: ClinVar variation 2431760 (VCV002431760.2), dbSNP rs2510234186, ClinGen allele CA2580095442.

ClinVar aggregate classification (germline): Likely pathogenic (1 of 4 stars; one submission).

Conditions:
Marden-Walker syndrome (MWKS). Also called: Connective tissue disorder Marden Walker type. Identifiers: Orphanet 2461, MedGen C0796033, MONDO:0009564, OMIM 248700.

Submission:

Laboratorio de Genetica e Diagnostico Molecular, Hospital Israelita Albert Einstein
Classification: Likely pathogenic for Marden-Walker syndrome. Last evaluated: 2022-10-07. Review status: criteria provided, single submitter. Criteria: ACMG Guidelines, 2015. Collection method: clinical testing. Allele origin: germline. Affected: yes.
Comment: ACMG classification criteria: PVS1 very strong, PM2 moderated